The following is an entry in ClinVar:

NM_000742.4(CHRNA2):c.265G>A (p.Gly89Arg)

Gene: CHRNA2 (cholinergic receptor nicotinic alpha 2 subunit; minus strand). Cytogenetic location: 8p21.2.
Variant type: single nucleotide variant.
Coding change: c.265G>A on transcript NM_000742.4 (MANE Select); coding-DNA position 265, G replaced by A.
Protein change: p.Gly89Arg; replaces glycine 89 with arginine.
Molecular consequence: missense variant. On other transcripts: 5 prime UTR variant (2), intron variant (3).
Genome position (GRCh38, 1-based): chr8:27,469,790, C>T on the plus strand (G>A on the coding strand, the complement: CHRNA2 is on the minus strand). VCF-style: chr8-27469790-C-T. GRCh37 (hg19) VCF-style: chr8-27327307-C-T.
Other names: c.-208G>A (NM_001347706.2); c.-197G>A (NM_001347708.2); c.-179+16G>A (NM_001347705.2); c.249+16G>A (NM_001282455.2); c.-165+16G>A (NM_001347707.2); short protein forms G89R.
Identifiers: ClinVar variation 2188665 (VCV002188665.4), dbSNP rs2490575533, ClinGen allele CA370812875.

ClinVar aggregate classification (germline): Uncertain significance (1 of 4 stars; one submission).

Conditions:
Familial sleep-related hypermotor epilepsy. Also called: Autosomal Dominant Sleep-Related Hypermotor (Hyperkinetic) Epilepsy. Identifiers: Orphanet 98784, MedGen C3696898, MONDO:0000030.

Submission:

Labcorp Genetics (formerly Invitae), Labcorp
Classification: Uncertain significance. Last evaluated: 2024-05-06. Review status: criteria provided, single submitter. Criteria: Invitae Variant Classification Sherloc (09022015). Collection method: clinical testing. Allele origin: germline.
Comment: This sequence change replaces glycine, which is neutral and non-polar, with arginine, which is basic and polar, at codon 89 of the CHRNA2 protein (p.Gly89Arg). This variant is not present in population databases (gnomAD no frequency). This variant has not been reported in the literature in individuals affected with CHRNA2-related conditions. ClinVar contains an entry for this variant (Variation ID: 2188665). Advanced modeling of protein sequence and biophysical properties (such as structural, functional, and spatial information, amino acid conservation, physicochemical variation, residue mobility, and thermodynamic stability) has been performed at Invitae for this missense variant, however the output from this modeling did not meet the statistical confidence thresholds required to predict the impact of this variant on CHRNA2 protein function. In summary, the available evidence is currently insufficient to determine the role of this variant in disease. Therefore, it has been classified as a Variant of Uncertain Significance.